The following is an entry in ClinVar:

ClinVar aggregate classification (germline): Uncertain significance (0 of 4 stars; one submission).

Conditions:
HNF4A-related disorder. Also called: HNF4A-related condition.

Submission:

PreventionGenetics, part of Exact Sciences
Classification: Uncertain significance for HNF4A-related condition. Last evaluated: 2024-09-14. Review status: no assertion criteria provided. Collection method: clinical testing. Allele origin: germline.
Comment: The HNF4A c.673A>T variant is predicted to result in the amino acid substitution p.Asn225Tyr. To our knowledge, this variant has not been reported in the literature or in a large population database, indicating this variant is rare. At this time, the clinical significance of this variant is uncertain due to the absence of conclusive functional and genetic evidence.

NM_175914.5(HNF4A):c.673A>T (p.Asn225Tyr)

Gene: HNF4A (hepatocyte nuclear factor 4 alpha; plus strand). Cytogenetic location: 20q13.12.
Variant type: single nucleotide variant.
Coding change: c.673A>T on transcript NM_175914.5 (MANE Select); coding-DNA position 673, A replaced by T.
Protein change: p.Asn225Tyr; replaces asparagine 225 with tyrosine.
Molecular consequence: missense variant.
Genome position (GRCh38, 1-based): chr20:44,419,723, A>T. VCF-style: chr20-44419723-A-T. GRCh37 (hg19) VCF-style: chr20-43048363-A-T.
Other names: c.739A>T, p.Asn247Tyr (NM_000457.6, NM_178849.3, NM_178850.3); c.673A>T, p.Asn225Tyr (NM_001030003.3, NM_001030004.3); c.718A>T, p.Asn240Tyr (NM_001258355.2); c.664A>T, p.Asn222Tyr (NM_001287182.2, NM_001287183.2, NM_001287184.2); short protein forms N222Y, N225Y, N240Y, N247Y.
Identifiers: ClinVar variation 3344831 (VCV003344831.1).
Genomic context (GRCh38, chr20:44,419,723, plus strand): 5'-GAGGAGAGGGGTCAACCCAAGGTGACTTCCCATCCTCCCTCCCTCCCAACCCTTCCAGGC[A>T]ATGACTACATTGTCCCTCGGCACTGCCCGGAGCTGGCGGAGATGAGCCGGGTGTCCATAC-3'
Protein context (NP_787110.2, residues 215-235): MVFKDVLLLG[Asn225Tyr]DYIVPRHCPE